The following is an entry in ClinVar:

ClinVar aggregate classification (germline): Uncertain significance (1 of 4 stars; one submission).

Conditions:
Idiopathic generalized epilepsy. Also called: Generalised epilepsy; EIG. Identifiers: MedGen C0270850, MONDO:0005579, OMIM 600669.
Hyperaldosteronism, familial, type IV (HALD4). Also called: FH IV; ALDOSTERONISM, PRIMARY, AND HYPERTENSION. Identifiers: Orphanet 642671, MedGen C4310756, MONDO:0014875, OMIM 617027.

Allele frequency attached by ClinVar (database versions not stated): TOPMed 0.00001.
gnomAD v4.1: 2 of 1,582,570 alleles (0.00013%); highest among the groups gnomAD compares: Non-Finnish European, 0.00017%; no homozygotes.

Submission:

Labcorp Genetics (formerly Invitae), Labcorp
Classification: Uncertain significance for Idiopathic generalized epilepsy; Hyperaldosteronism, familial, type IV. Last evaluated: 2023-03-10. Review status: criteria provided, single submitter. Criteria: Invitae Variant Classification Sherloc (09022015). Collection method: clinical testing. Allele origin: germline.
Comment: In summary, the available evidence is currently insufficient to determine the role of this variant in disease. Therefore, it has been classified as a Variant of Uncertain Significance. Advanced modeling of protein sequence and biophysical properties (such as structural, functional, and spatial information, amino acid conservation, physicochemical variation, residue mobility, and thermodynamic stability) performed at Invitae indicates that this missense variant is expected to disrupt CACNA1H protein function. ClinVar contains an entry for this variant (Variation ID: 573465). This variant has not been reported in the literature in individuals affected with CACNA1H-related conditions. This variant is not present in population databases (gnomAD no frequency). This sequence change replaces proline, which is neutral and non-polar, with leucine, which is neutral and non-polar, at codon 1605 of the CACNA1H protein (p.Pro1605Leu).

NM_021098.3(CACNA1H):c.4814C>T (p.Pro1605Leu)

Gene: CACNA1H (calcium voltage-gated channel subunit alpha1 H; plus strand). Cytogenetic location: 16p13.3.
Variant type: single nucleotide variant.
Coding change: c.4814C>T on transcript NM_021098.3 (MANE Select); coding-DNA position 4814, C replaced by T.
Protein change: p.Pro1605Leu; replaces proline 1605 with leucine.
Molecular consequence: missense variant.
Genome position (GRCh38, 1-based): chr16:1,213,816, C>T. VCF-style: chr16-1213816-C-T. GRCh37 (hg19) VCF-style: chr16-1263816-C-T.
Other names: c.4796C>T, p.Pro1599Leu (NM_001005407.2); short protein forms P1605L, P1599L.
Identifiers: ClinVar variation 573465 (VCV000573465.8), dbSNP rs761945003, ClinGen allele CA394145175.